The following is an entry in ClinVar:

ClinVar aggregate classification (germline): Uncertain significance. Review status: criteria provided, multiple submitters, no conflicts (2 of 4 stars). 2 submissions from 2 submitters: Uncertain significance (2). Last evaluated 2026-06-24.

Conditions:
Inborn genetic diseases. Identifiers: MedGen C0950123, MeSH D030342.

Allele frequency attached by ClinVar (database versions not stated): gnomAD exomes below 0.00001.
gnomAD v4.1: 5 of 1,613,848 alleles (0.00031%); highest among the groups gnomAD compares: Non-Finnish European, 0.00034%; no homozygotes.

Submissions (2):

Ambry Genetics
Classification: Uncertain significance for Inborn genetic diseases. Last evaluated: 2026-06-24. Review status: criteria provided, single submitter. Criteria: Ambry Variant Classification Scheme 2023. Collection method: clinical testing. Allele origin: germline.

Labcorp Genetics (formerly Invitae), Labcorp
Classification: Uncertain significance. Last evaluated: 2022-06-20. Review status: criteria provided, single submitter. Criteria: Invitae Variant Classification Sherloc (09022015). Collection method: clinical testing. Allele origin: germline.
Comment: This variant is present in population databases (no rsID available, gnomAD 0.0009%). This sequence change replaces valine, which is neutral and non-polar, with isoleucine, which is neutral and non-polar, at codon 1923 of the RP1 protein (p.Val1923Ile). This variant has not been reported in the literature in individuals affected with RP1-related conditions. Algorithms developed to predict the effect of missense changes on protein structure and function are either unavailable or do not agree on the potential impact of this missense change (SIFT: "Tolerated"; PolyPhen-2: "Probably Damaging"; Align-GVGD: "Class C0"). In summary, the available evidence is currently insufficient to determine the role of this variant in disease. Therefore, it has been classified as a Variant of Uncertain Significance.

NM_006269.2(RP1):c.5767G>A (p.Val1923Ile)

Genes: RP1 (RP1 axonemal microtubule associated; plus strand), LOC126860392 (CDK7 strongly-dependent group 2 enhancer GRCh37_chr8:55541319-55542518; plus strand). Cytogenetic location: 8q12.1.
Variant type: single nucleotide variant.
Coding change: c.5767G>A on transcript NM_006269.2 (MANE Select); coding-DNA position 5767, G replaced by A.
Protein change: p.Val1923Ile; replaces valine 1923 with isoleucine.
Molecular consequence: missense variant. On other transcripts: intron variant (1).
Genome position (GRCh38, 1-based): chr8:54,629,649, G>A. VCF-style: chr8-54629649-G-A. GRCh37 (hg19) VCF-style: chr8-55542209-G-A.
Other names: c.787+7361G>A (NM_001375654.1); c.5767G>A (NM_006269.1); short protein forms V1923I.
Identifiers: ClinVar variation 1376974 (VCV001376974.7), dbSNP rs1356685418, ClinGen allele CA370987836.